The following is an entry in ClinVar:

ClinVar aggregate classification (germline): Uncertain significance. Review status: criteria provided, multiple submitters, no conflicts (2 of 4 stars). 2 submissions from 2 submitters: Uncertain significance (2). Last evaluated 2023-09-01.

Allele frequency attached by ClinVar (database versions not stated): gnomAD 0.00001; gnomAD exomes 0.00002.
gnomAD v4.1: 11 of 612,640 alleles (0.0018%); highest among the groups gnomAD compares: Admixed American, 0.006%; no homozygotes.

Submissions (2):

Blueprint Genetics
Classification: Uncertain significance. Last evaluated: 2023-09-01. Review status: criteria provided, single submitter. Criteria: ACMG Guidelines, 2015. Collection method: clinical testing. Allele origin: germline.

GeneDx
Classification: Uncertain significance. Last evaluated: 2022-07-06. Review status: criteria provided, single submitter. Criteria: GeneDx Variant Classification Process June 2021. Collection method: clinical testing. Allele origin: germline. Affected: yes.
Comment: In silico analysis supports that this missense variant does not alter protein structure/function; Has not been previously published as pathogenic or benign to our knowledge

NM_004667.6(HERC2):c.7228G>A (p.Val2410Ile)

Gene: HERC2 (HECT and RLD domain containing E3 ubiquitin protein ligase 2; minus strand). Cytogenetic location: 15q13.1.
Variant type: single nucleotide variant.
Coding change: c.7228G>A on transcript NM_004667.6 (MANE Select); coding-DNA position 7228, G replaced by A.
Protein change: p.Val2410Ile; replaces valine 2410 with isoleucine.
Molecular consequence: missense variant.
Genome position (GRCh38, 1-based): chr15:28,202,599, C>T on the plus strand (G>A on the coding strand, the complement: HERC2 is on the minus strand). VCF-style: chr15-28202599-C-T. GRCh37 (hg19) VCF-style: chr15-28447745-C-T.
Other names: short protein forms V2410I.
Identifiers: ClinVar variation 1810507 (VCV001810507.2), dbSNP rs909515156, ClinGen allele CA267941431.